The following is an entry in ClinVar:

ClinVar aggregate classification (germline): Uncertain significance (1 of 4 stars; one submission).

gnomAD v4.1: 14 of 1,613,754 alleles (0.00087%); highest among the groups gnomAD compares: Non-Finnish European, 0.0012%; no homozygotes.

Submission:

GeneDx
Classification: Uncertain significance. Last evaluated: 2025-03-23. Review status: criteria provided, single submitter. Criteria: GeneDx Variant Classification Process June 2021. Collection method: clinical testing. Allele origin: germline. Affected: yes.
Comment: In silico analysis indicates that this missense variant does not alter protein structure/function; Has not been previously published as pathogenic or benign to our knowledge

NM_001271049.2(CFAP221):c.2497C>T (p.Leu833Phe)

Gene: CFAP221 (cilia and flagella associated protein 221; plus strand). Cytogenetic location: 2q14.2.
Variant type: single nucleotide variant.
Coding change: c.2497C>T on transcript NM_001271049.2 (MANE Select); coding-DNA position 2497, C replaced by T.
Protein change: p.Leu833Phe; replaces leucine 833 with phenylalanine.
Molecular consequence: missense variant. On other transcripts: non-coding transcript variant (1).
Genome position (GRCh38, 1-based): chr2:119,656,444, C>T. VCF-style: chr2-119656444-C-T. GRCh37 (hg19) VCF-style: chr2-120414020-C-T.
Other names: short protein forms L833F.
Identifiers: ClinVar variation 4088220 (VCV004088220.1).